The following is an entry in ClinVar:

NM_000059.4(BRCA2):c.7926T>G (p.Phe2642Leu)

Gene: BRCA2 (BRCA2 DNA repair associated; plus strand). Cytogenetic location: 13q13.1.
Variant type: single nucleotide variant.
Coding change: c.7926T>G on transcript NM_000059.4 (MANE Select); coding-DNA position 7926, T replaced by G.
Protein change: p.Phe2642Leu; replaces phenylalanine 2642 with leucine.
Molecular consequence: missense variant.
Genome position (GRCh38, 1-based): chr13:32,362,643, T>G. VCF-style: chr13-32362643-T-G. GRCh37 (hg19) VCF-style: chr13-32936780-T-G.
Other names: short protein forms F2642L.
Identifiers: ClinVar variation 441306 (VCV000441306.14), dbSNP rs1555286858, ClinGen allele CA387747199.

ClinVar aggregate classification (germline): Conflicting classifications of pathogenicity. Review status: criteria provided, conflicting classifications (1 of 4 stars). 3 submissions from 3 submitters: Uncertain significance (2); Likely benign (1). Last evaluated 2025-01-23.

Conditions:
Hereditary breast ovarian cancer syndrome. Also called: Hereditary breast and ovarian cancer; Breast and ovarian cancer; Hereditary breast and ovarian cancer syndrome; Hereditary breast and/or ovarian cancer syndrome; BRCA1- and BRCA2-Associated Hereditary Breast and Ovarian Cancer; Hereditary breast and ovarian cancer syndrome (HBOC). Identifiers: Orphanet 145, MedGen C0677776, MeSH D061325, MONDO:0003582. Disease mechanism: loss of function.
Hereditary cancer-predisposing syndrome. Also called: Hereditary Cancer Syndrome; Hereditary neoplastic syndrome; Neoplastic Syndromes, Hereditary; Tumor predisposition. Identifiers: Orphanet 140162, MedGen C0027672, MeSH D009386, MONDO:0015356.

Submissions (3):

Labcorp Genetics (formerly Invitae), Labcorp
Classification: Uncertain significance for Hereditary breast ovarian cancer syndrome. Last evaluated: 2025-01-23. Review status: criteria provided, single submitter. Criteria: Invitae Variant Classification Sherloc (09022015). Collection method: clinical testing. Allele origin: germline.
Comment: This sequence change replaces phenylalanine, which is neutral and non-polar, with leucine, which is neutral and non-polar, at codon 2642 of the BRCA2 protein (p.Phe2642Leu). This variant is not present in population databases (gnomAD no frequency). This variant has not been reported in the literature in individuals affected with BRCA2-related conditions. ClinVar contains an entry for this variant (Variation ID: 441306). Invitae Evidence Modeling of protein sequence and biophysical properties (such as structural, functional, and spatial information, amino acid conservation, physicochemical variation, residue mobility, and thermodynamic stability) indicates that this missense variant is not expected to disrupt BRCA2 protein function with a negative predictive value of 95%. In summary, the available evidence is currently insufficient to determine the role of this variant in disease. Therefore, it has been classified as a Variant of Uncertain Significance.

Ambry Genetics
Classification: Likely benign for Hereditary cancer-predisposing syndrome. Last evaluated: 2022-01-12. Review status: criteria provided, single submitter. Criteria: Ambry Variant Classification Scheme 2023. Collection method: clinical testing. Allele origin: germline.

Quest Diagnostics Nichols Institute San Juan Capistrano
Classification: Uncertain significance. Last evaluated: 2017-11-22. Review status: criteria provided, single submitter. Criteria: Quest Diagnostics criteria. Collection method: clinical testing. Allele origin: germline.